The following is an entry in ClinVar:

ClinVar aggregate classification (germline): Likely benign (0 of 4 stars; one submission).

Conditions:
CHD2-related disorder. Also called: CHD2-related condition.

Allele frequency attached by ClinVar (database versions not stated): gnomAD exomes below 0.00001; gnomAD 0.00001; TOPMed 0.00001.
gnomAD v4.1: 5 of 1,613,994 alleles (0.00031%); highest among the groups gnomAD compares: Non-Finnish European, 0.00042%; no homozygotes.

Submission:

PreventionGenetics, part of Exact Sciences
Classification: Likely benign for CHD2-related condition. Last evaluated: 2022-03-01. Review status: no assertion criteria provided. Collection method: clinical testing. Allele origin: germline.
Comment: This variant is classified as likely benign based on ACMG/AMP sequence variant interpretation guidelines (Richards et al. 2015 PMID: 25741868, with internal and published modifications).

NM_001271.4(CHD2):c.1617C>T (p.Val539=)

Gene: CHD2 (chromodomain helicase DNA binding protein 2; plus strand). Cytogenetic location: 15q26.1.
Variant type: single nucleotide variant.
Coding change: c.1617C>T on transcript NM_001271.4 (MANE Select); coding-DNA position 1617, C replaced by T.
Protein change: p.Val539=; no amino-acid change (valine 539 retained).
Molecular consequence: synonymous variant.
Genome position (GRCh38, 1-based): chr15:92,953,471, C>T. VCF-style: chr15-92953471-C-T. GRCh37 (hg19) VCF-style: chr15-93496701-C-T.
Identifiers: ClinVar variation 3052062 (VCV003052062.2), dbSNP rs2053579682, ClinGen allele CA492499028.